The following is an entry in ClinVar:

ClinVar aggregate classification (germline): Uncertain significance (1 of 4 stars; one submission).

Conditions:
COL12A1-related disorder. Also called: COL12A1-related condition.

gnomAD v4.1: 2 of 1,604,334 alleles (0.00012%); highest among the groups gnomAD compares: Admixed American, 0.0017%; no homozygotes.

Submission:

PreventionGenetics, part of Exact Sciences
Classification: Uncertain significance for COL12A1-related condition. Last evaluated: 2026-09-21. Review status: criteria provided, single submitter. Criteria: ACMG Guidelines, 2015. Collection method: clinical testing. Allele origin: germline.
Comment: The COL12A1 c.4432G>T variant is predicted to result in the amino acid substitution p.Val1478Phe. To our knowledge, this variant has not been reported in the literature. This variant is reported in 0.0031% of alleles in individuals of Latino descent in gnomAD. At this time, the clinical significance of this variant is uncertain due to the absence of conclusive functional and genetic evidence.

NM_004370.6(COL12A1):c.4432G>T (p.Val1478Phe)

Gene: COL12A1 (collagen type XII alpha 1 chain; minus strand). Cytogenetic location: 6q13.
Variant type: single nucleotide variant.
Coding change: c.4432G>T on transcript NM_004370.6 (MANE Select); coding-DNA position 4432, G replaced by T.
Protein change: p.Val1478Phe; replaces valine 1478 with phenylalanine.
Molecular consequence: missense variant.
Genome position (GRCh38, 1-based): chr6:75,146,230, C>A on the plus strand (G>T on the coding strand, the complement: COL12A1 is on the minus strand). VCF-style: chr6-75146230-C-A. GRCh37 (hg19) VCF-style: chr6-75855946-C-A.
Other names: c.4432G>T, p.Val1478Phe (NM_001424113.1, NM_001424114.1); c.4159G>T, p.Val1387Phe (NM_001424115.1); c.940G>T, p.Val314Phe (NM_001424116.1, NM_080645.3); short protein forms V1387F, V314F, V1478F.
Identifiers: ClinVar variation 4983077 (VCV004983077.1).